The following is an entry in ClinVar:

ClinVar aggregate classification (germline): Uncertain significance (1 of 4 stars; one submission).

gnomAD v4.1: 3 of 1,614,022 alleles (0.00019%); highest among the groups gnomAD compares: Non-Finnish European, 0.00017%; no homozygotes.

Submission:

Labcorp Genetics (formerly Invitae), Labcorp
Classification: Uncertain significance. Last evaluated: 2024-06-13. Review status: criteria provided, single submitter. Criteria: Invitae Variant Classification Sherloc (09022015). Collection method: clinical testing. Allele origin: germline.
Comment: This sequence change replaces arginine, which is basic and polar, with cysteine, which is neutral and slightly polar, at codon 184 of the PTDSS1 protein (p.Arg184Cys). This variant is not present in population databases (gnomAD no frequency). This variant has not been reported in the literature in individuals affected with PTDSS1-related conditions. Advanced modeling of protein sequence and biophysical properties (such as structural, functional, and spatial information, amino acid conservation, physicochemical variation, residue mobility, and thermodynamic stability) performed at Invitae indicates that this missense variant is expected to disrupt PTDSS1 protein function with a positive predictive value of 80%. In summary, the available evidence is currently insufficient to determine the role of this variant in disease. Therefore, it has been classified as a Variant of Uncertain Significance.

NM_014754.3(PTDSS1):c.550C>T (p.Arg184Cys)

Gene: PTDSS1 (phosphatidylserine synthase 1; plus strand). Cytogenetic location: 8q22.1.
Variant type: single nucleotide variant.
Coding change: c.550C>T on transcript NM_014754.3 (MANE Select); coding-DNA position 550, C replaced by T.
Protein change: p.Arg184Cys; replaces arginine 184 with cysteine.
Molecular consequence: missense variant.
Genome position (GRCh38, 1-based): chr8:96,295,206, C>T. VCF-style: chr8-96295206-C-T. GRCh37 (hg19) VCF-style: chr8-97307434-C-T.
Other names: c.112C>T, p.Arg38Cys (NM_001290225.2); short protein forms R38C, R184C.
Identifiers: ClinVar variation 3694636 (VCV003694636.2).